The following is an entry in ClinVar:

NM_001330078.2(NRXN1):c.630C>A (p.Asn210Lys)

Gene: NRXN1 (neurexin 1; minus strand). Cytogenetic location: 2p16.3.
Variant type: single nucleotide variant.
Coding change: c.630C>A on transcript NM_001330078.2 (MANE Select); coding-DNA position 630, C replaced by A.
Protein change: p.Asn210Lys; replaces asparagine 210 with lysine.
Molecular consequence: missense variant.
Genome position (GRCh38, 1-based): chr2:51,027,644, G>T on the plus strand (C>A on the coding strand, the complement: NRXN1 is on the minus strand). VCF-style: chr2-51027644-G-T. GRCh37 (hg19) VCF-style: chr2-51254782-G-T.
Other names: c.630C>A, p.Asn210Lys (NM_001135659.3, NM_001330077.2, NM_001330079.2 and 15 more transcripts); short protein forms N210K.
Identifiers: ClinVar variation 1933066 (VCV001933066.5), dbSNP rs774677436, ClinGen allele CA346823618.
Genomic context (GRCh38, chr2:51,027,644, plus strand): 5'-GTTGAGGCACACCCCGCCCTCGCCCTCCTCGCCCGCCTCGCACGGGCTTCCCCCGCCGCT[G>T]TTGGGCGGCTCATCGTCCAGCTTCACCTCGCCGCTGTCCACGGGCAGGACCTGCGAGGAG-3'
Protein context (NP_001317007.1, residues 200-220): GEVKLDDEPP[Asn210Lys]SGGGSPCEAG

ClinVar aggregate classification (germline): Uncertain significance (1 of 4 stars; one submission).

Conditions:
Pitt-Hopkins-like syndrome 2 (PTHSL2). Identifiers: Orphanet 221150, Orphanet 600663, MedGen C3280479, MONDO:0013690, OMIM 614325.

Allele frequency attached by ClinVar (database versions not stated): gnomAD 0.00001.
gnomAD v4.1: 19 of 1,599,662 alleles (0.0012%); highest among the groups gnomAD compares: Non-Finnish European, 0.0015%; no homozygotes.

Submission:

Labcorp Genetics (formerly Invitae), Labcorp
Classification: Uncertain significance for Pitt-Hopkins-like syndrome 2. Last evaluated: 2025-03-17. Review status: criteria provided, single submitter. Criteria: Invitae Variant Classification Sherloc (09022015). Collection method: clinical testing. Allele origin: germline.
Comment: This sequence change replaces asparagine, which is neutral and polar, with lysine, which is basic and polar, at codon 210 of the NRXN1 protein (p.Asn210Lys). This variant is not present in population databases (gnomAD no frequency). This variant has not been reported in the literature in individuals affected with NRXN1-related conditions. ClinVar contains an entry for this variant (Variation ID: 1933066). An algorithm developed to predict the effect of missense changes on protein structure and function (PolyPhen-2) suggests that this variant is likely to be tolerated. In summary, the available evidence is currently insufficient to determine the role of this variant in disease. Therefore, it has been classified as a Variant of Uncertain Significance.